The following is an entry in ClinVar:

ClinVar aggregate classification (germline): Uncertain significance (1 of 4 stars; one submission).

Conditions:
Leigh syndrome (NULS). Also called: Subacute necrotizing encephalopathy; Necrotizing encephalopathy infantile subacute of Leigh; LEIGH SYNDROME, NUCLEAR; Leigh Disease; Leigh's syndrome; Leigh's necrotizing encephalopathy. Identifiers: Orphanet 506, MedGen C2931891, MONDO:0009723, OMIM 256000.

Allele frequency attached by ClinVar (database versions not stated): gnomAD 0.00001.
gnomAD v4.1: 1 of 1,613,638 alleles (0.000062%); highest among the groups gnomAD compares: Admixed American, 0.0017%; no homozygotes.

Submission:

Labcorp Genetics (formerly Invitae), Labcorp
Classification: Uncertain significance for Leigh syndrome. Last evaluated: 2022-11-28. Review status: criteria provided, single submitter. Criteria: Invitae Variant Classification Sherloc (09022015). Collection method: clinical testing. Allele origin: germline.
Comment: This sequence change replaces serine, which is neutral and polar, with leucine, which is neutral and non-polar, at codon 155 of the SURF1 protein (p.Ser155Leu). This variant is not present in population databases (gnomAD no frequency). This variant has not been reported in the literature in individuals affected with SURF1-related conditions. Advanced modeling of protein sequence and biophysical properties (such as structural, functional, and spatial information, amino acid conservation, physicochemical variation, residue mobility, and thermodynamic stability) performed at Invitae indicates that this missense variant is not expected to disrupt SURF1 protein function. In summary, the available evidence is currently insufficient to determine the role of this variant in disease. Therefore, it has been classified as a Variant of Uncertain Significance.

NM_003172.4(SURF1):c.464C>T (p.Ser155Leu)

Gene: SURF1 (SURF1 cytochrome c oxidase assembly factor; minus strand). Cytogenetic location: 9q34.2.
Variant type: single nucleotide variant.
Coding change: c.464C>T on transcript NM_003172.4 (MANE Select); coding-DNA position 464, C replaced by T.
Protein change: p.Ser155Leu; replaces serine 155 with leucine.
Molecular consequence: missense variant.
Genome position (GRCh38, 1-based): chr9:133,353,800, G>A on the plus strand (C>T on the coding strand, the complement: SURF1 is on the minus strand). VCF-style: chr9-133353800-G-A. GRCh37 (hg19) VCF-style: chr9-136220655-G-A.
Other names: c.137C>T, p.Ser46Leu (NM_001280787.1); short protein forms S155L, S46L.
Identifiers: ClinVar variation 1952304 (VCV001952304.5), dbSNP rs1481451113, ClinGen allele CA375694225.